The following is an entry in ClinVar:

NM_006767.4(LZTR1):c.42_44delinsCG (p.Leu16fs)

Genes: LZTR1 (leucine zipper like post translational regulator 1; plus strand), LOC130067016 (ATAC-STARR-seq lymphoblastoid silent region 13504; plus strand). Cytogenetic location: 22q11.21.
Variant type: Indel.
Coding change: c.42_44delinsCG on transcript NM_006767.4 (MANE Select); coding-DNA positions 42 to 44, GGC replaced by CG.
Protein change: p.Leu16fs; shifts the reading frame from leucine 16.
Molecular consequence: frameshift variant.
Genome position (GRCh38, 1-based): chr22:20,982,413-20,982,415, GGC replaced by CG. VCF-style: chr22-20982413-GGC-CG. GRCh37 (hg19) VCF-style: chr22-21336702-GGC-CG.
Other names: short protein forms L16fs.
Identifiers: ClinVar variation 3238283 (VCV003238283.1), dbSNP rs2518607665.

ClinVar aggregate classification (germline): Pathogenic (1 of 4 stars; one submission).

Conditions:
Hereditary cancer-predisposing syndrome. Also called: Neoplastic Syndromes, Hereditary; Tumor predisposition; Hereditary neoplastic syndrome; Hereditary Cancer Syndrome. Identifiers: Orphanet 140162, MedGen C0027672, MeSH D009386, MONDO:0015356.
Cardiovascular phenotype. Identifiers: MedGen CN230736.

Submission:

Ambry Genetics
Classification: Pathogenic for Cardiovascular phenotype; Hereditary cancer-predisposing syndrome. Last evaluated: 2022-12-23. Review status: criteria provided, single submitter. Criteria: Ambry Variant Classification Scheme 2023. Collection method: clinical testing. Allele origin: germline.
Comment: The c.42_44delGGCinsCG pathogenic mutation, located in coding exon 1 of the LZTR1 gene, results from the deletion of 3 nucleotides and insertion of two nucleotides causing a translational frameshift with a predicted alternate stop codon (p.L16Wfs*9). This alteration is expected to result in loss of function by premature protein truncation or nonsense-mediated mRNA decay. Based on the supporting evidence, this variant is likely pathogenic for an increased risk of LZTR1-related schwannomatosis (SWN) and would be expected to cause autosomal recessive Noonan syndrome when present along with a second pathogenic or likely pathogenic variant on the other allele; however, the association of this alteration with autosomal dominant Noonan syndrome is unlikely.